The following is an entry in ClinVar:

ClinVar aggregate classification (germline): Uncertain significance. Review status: criteria provided, single submitter (1 of 4 stars). 2 submissions from 2 submitters: Uncertain significance (1). 1 of the submissions does not count toward it. Last evaluated 2020-07-09.

Conditions:
Duchenne muscular dystrophy (DMD). Also called: MUSCULAR DYSTROPHY, PSEUDOHYPERTROPHIC PROGRESSIVE, DUCHENNE TYPE; Duchenne Muscular Dystrophy (DMD). Identifiers: Orphanet 98896, MedGen C0013264, MONDO:0010679, OMIM 310200.
Dystrophin deficiency.
Becker muscular dystrophy (BMD). Also called: MUSCULAR DYSTROPHY, PSEUDOHYPERTROPHIC PROGRESSIVE, BECKER TYPE; Becker Muscular Dystrophy (BMD). Identifiers: Orphanet 98895, MedGen C0917713, MONDO:0010311, OMIM 300376.
Cardiomyopathy (CMYO). Also called: Cardiomyopathies. Identifiers: Orphanet 167848, MedGen C0878544, MONDO:0004994, HP:0001638. Inheritance: Various modes of inheritance.

Submissions (2):

Labcorp Genetics (formerly Invitae), Labcorp
Classification: Uncertain significance for Duchenne muscular dystrophy. Last evaluated: 2020-07-09. Review status: criteria provided, single submitter. Criteria: Invitae Variant Classification Sherloc (09022015). Collection method: clinical testing. Allele origin: germline.
Comment: Algorithms developed to predict the effect of missense changes on protein structure and function are either unavailable or do not agree on the potential impact of this missense change (SIFT: "Deleterious"; PolyPhen-2: "Probably Damaging"; Align-GVGD: "Class C15"). In summary, the available evidence is currently insufficient to determine the role of this variant in disease. Therefore, it has been classified as a Variant of Uncertain Significance. This variant has not been reported in the literature in individuals with DMD-related conditions. This sequence change replaces leucine with phenylalanine at codon 412 of the DMD protein (p.Leu412Phe). The leucine residue is highly conserved and there is a small physicochemical difference between leucine and phenylalanine. This variant is not present in population databases (ExAC no frequency).

Natera, Inc.
Classification: Uncertain significance for Becker muscular dystrophy; Cardiomyopathy; Duchenne muscular dystrophy; Dystrophin deficiency. Last evaluated: 2020-12-08. Review status: no assertion criteria provided. Collection method: clinical testing. Allele origin: germline. Not counted in ClinVar's aggregate classification.

NM_004006.3(DMD):c.1236A>T (p.Leu412Phe)

Gene: DMD (dystrophin; minus strand). Cytogenetic location: Xp21.1.
Variant type: single nucleotide variant.
Coding change: c.1236A>T on transcript NM_004006.3 (MANE Select); coding-DNA position 1236, A replaced by T.
Protein change: p.Leu412Phe; replaces leucine 412 with phenylalanine.
Molecular consequence: missense variant.
Genome position (GRCh38, 1-based): chrX:32,644,227, T>A on the plus strand (A>T on the coding strand, the complement: DMD is on the minus strand). VCF-style: chrX-32644227-T-A. GRCh37 (hg19) VCF-style: chrX-32662344-T-A.
Other names: c.1212A>T, p.Leu404Phe (NM_000109.4); c.1224A>T, p.Leu408Phe (NM_004009.3); c.867A>T, p.Leu289Phe (NM_004010.3); short protein forms L289F, L404F, L408F, L412F.
Identifiers: ClinVar variation 1019815 (VCV001019815.10), dbSNP rs2059646282, ClinGen allele CA412661157.